The following is an entry in ClinVar:

NM_000257.4(MYH7):c.4250C>T (p.Thr1417Ile)

Gene: MYH7 (myosin heavy chain 7; minus strand). Cytogenetic location: 14q11.2.
Variant type: single nucleotide variant.
Coding change: c.4250C>T on transcript NM_000257.4 (MANE Select); coding-DNA position 4250, C replaced by T.
Protein change: p.Thr1417Ile; replaces threonine 1417 with isoleucine.
Molecular consequence: missense variant.
Genome position (GRCh38, 1-based): chr14:23,417,606, G>A on the plus strand (C>T on the coding strand, the complement: MYH7 is on the minus strand). VCF-style: chr14-23417606-G-A. GRCh37 (hg19) VCF-style: chr14-23886815-G-A.
Other names: c.4250C>T (LRG_384t1); short protein forms T1417I.
Identifiers: ClinVar variation 392176 (VCV000392176.21), dbSNP rs1057524383, ClinGen allele CA16606529.

ClinVar aggregate classification (germline): Uncertain significance. Review status: criteria provided, multiple submitters, no conflicts (2 of 4 stars). 6 submissions from 6 submitters: Uncertain significance (6). Last evaluated 2024-12-19.

Conditions:
Cardiovascular phenotype. Identifiers: MedGen CN230736.
Hypertrophic cardiomyopathy. Also called: HYPERTROPHIC MYOCARDIOPATHY. Identifiers: Orphanet 217569, MedGen C0007194, MeSH D002312, MONDO:0005045, HP:0001639.
Cardiomyopathy (CMYO). Also called: Cardiomyopathies. Identifiers: Orphanet 167848, MedGen C0878544, MONDO:0004994, HP:0001638. Inheritance: Various modes of inheritance.

gnomAD v4.1: 3 of 1,612,848 alleles (0.00019%); highest among the groups gnomAD compares: Non-Finnish European, 0.00025%; no homozygotes.

Submissions (6):

Ambry Genetics
Classification: Uncertain significance for Cardiovascular phenotype. Last evaluated: 2024-12-19. Review status: criteria provided, single submitter. Criteria: Ambry Variant Classification Scheme 2023. Collection method: clinical testing. Allele origin: germline.
Comment: The p.T1417I variant (also known as c.4250C>T), located in coding exon 29 of the MYH7 gene, results from a C to T substitution at nucleotide position 4250. The threonine at codon 1417 is replaced by isoleucine, an amino acid with similar properties. This alteration has been reported in a hypertrophic cardiomyopathy (HCM) cohort; however, clinical details were limited (Lopes LR et al. Heart, 2015 Feb;101:294-301). This variant has also been reported in a biobank cohort (Park J et al. Hum Mol Genet, 2022 Mar;31:827-837). This amino acid position is highly conserved in available vertebrate species. In addition, this alteration is predicted to be deleterious by in silico analysis. Since supporting evidence is limited at this time, the clinical significance of this alteration remains unclear.

Color Diagnostics, LLC DBA Color Health
Classification: Uncertain significance for Cardiomyopathy. Last evaluated: 2024-11-25. Review status: criteria provided, single submitter. Criteria: ACMG Guidelines, 2015. Collection method: clinical testing. Allele origin: germline.
Comment: This missense variant replaces threonine with isoleucine at codon 1417 of the MYH7 protein. Computational prediction suggests that this variant may have a deleterious impact on protein structure and function. To our knowledge, functional studies have not been reported for this variant. This variant has been reported in an individual affected with hypertrophic cardiomyopathy (PMID: 25351510). This variant has not been identified in the general population by the Genome Aggregation Database (gnomAD). The available evidence is insufficient to determine the role of this variant in disease conclusively. Therefore, this variant is classified as a Variant of Uncertain Significance.

All of Us Research Program, National Institutes of Health
Classification: Uncertain significance for Cardiomyopathy. Last evaluated: 2024-09-03. Review status: criteria provided, single submitter. Criteria: ACMG Guidelines, 2015. Collection method: clinical testing. Allele origin: germline. Inheritance: Autosomal dominant inheritance. Observed: 2 variant alleles, 2 heterozygotes.
Comment: This missense variant replaces threonine with isoleucine at codon 1417 of the MYH7 protein. Computational prediction suggests that this variant may have a deleterious impact on protein structure and function (internally defined REVEL score threshold >= 0.7, PMID: 27666373). To our knowledge, functional studies have not been reported for this variant. This variant has been reported in an individual affected with hypertrophic cardiomyopathy (PMID: 25351510). This variant has not been identified in the general population by the Genome Aggregation Database (gnomAD). The available evidence is insufficient to determine the role of this variant in disease conclusively. Therefore, this variant is classified as a Variant of Uncertain Significance.

This study involves interpretation of variants in research participants for the purpose of population health screening. Participant phenotype was not available at the time of variant classification. Additional details can be found in publication PMID: 35346344, PMCID: PMC8962531

Labcorp Genetics (formerly Invitae), Labcorp
Classification: Uncertain significance for Hypertrophic cardiomyopathy. Last evaluated: 2023-12-12. Review status: criteria provided, single submitter. Criteria: Invitae Variant Classification Sherloc (09022015). Collection method: clinical testing. Allele origin: germline.
Comment: This sequence change replaces threonine, which is neutral and polar, with isoleucine, which is neutral and non-polar, at codon 1417 of the MYH7 protein (p.Thr1417Ile). This variant is not present in population databases (gnomAD no frequency). This missense change has been observed in individual(s) with hypertrophic cardiomyopathy (PMID: 25351510). ClinVar contains an entry for this variant (Variation ID: 392176). Advanced modeling of protein sequence and biophysical properties (such as structural, functional, and spatial information, amino acid conservation, physicochemical variation, residue mobility, and thermodynamic stability) performed at Invitae indicates that this missense variant is expected to disrupt MYH7 protein function with a positive predictive value of 95%. In summary, the available evidence is currently insufficient to determine the role of this variant in disease. Therefore, it has been classified as a Variant of Uncertain Significance.

GeneDx
Classification: Uncertain significance. Last evaluated: 2023-12-04. Review status: criteria provided, single submitter. Criteria: GeneDx Variant Classification Process June 2021. Collection method: clinical testing. Allele origin: germline. Affected: yes.
Comment: Identified in a patient with HCM in published literature (PMID: 25351510); Not observed at significant frequency in large population cohorts (gnomAD); In silico analysis supports that this missense variant has a deleterious effect on protein structure/function; This variant is associated with the following publications: (PMID: 34542152, 25351510)

CHEO Genetics Diagnostic Laboratory, Children's Hospital of Eastern Ontario
Classification: Uncertain significance for Cardiomyopathy. Last evaluated: 2018-07-26. Review status: criteria provided, single submitter. Criteria: ACMG Guidelines, 2015. Collection method: clinical testing. Allele origin: germline.

Literature cited by the submitters: PubMed 25351510 (cited by 4 submitters); PubMed 34542152 (cited by Ambry Genetics); PubMed 37652022 (cited by Ambry Genetics).